The following is an entry in ClinVar:

ClinVar aggregate classification (germline): Uncertain significance (1 of 4 stars; one submission).

Conditions:
Autosomal dominant polycystic kidney disease. Identifiers: Orphanet 730, MedGen C0085413, MONDO:0004691.

Allele frequency attached by ClinVar (database versions not stated): gnomAD exomes below 0.00001.
gnomAD v4.1: 5 of 1,326,326 alleles (0.00038%); highest among the groups gnomAD compares: Admixed American, 0.0058%; no homozygotes.

Submission:

Labcorp Genetics (formerly Invitae), Labcorp
Classification: Uncertain significance for Autosomal dominant polycystic kidney disease. Last evaluated: 2026-01-05. Review status: criteria provided, single submitter. Criteria: Invitae Variant Classification Sherloc (09022015). Collection method: clinical testing. Allele origin: germline.
Comment: This sequence change replaces arginine, which is basic and polar, with glutamine, which is neutral and polar, at codon 50 of the PKD2 protein (p.Arg50Gln). This variant is present in population databases (no rsID available, gnomAD 0.01%). This missense change has been observed in individual(s) with chronic glomerulonephritis (PMID: 38765603). ClinVar contains an entry for this variant (Variation ID: 2061336). An algorithm developed to predict the effect of missense changes on protein structure and function (PolyPhen-2) suggests that this variant is likely to be disruptive. In summary, the available evidence is currently insufficient to determine the role of this variant in disease. Therefore, it has been classified as a Variant of Uncertain Significance.

Literature cited by the submitters: PubMed 38765603.

NM_000297.4(PKD2):c.149G>A (p.Arg50Gln)

Genes: PKD2 (polycystin 2, transient receptor potential cation channel; plus strand), LOC129992813 (ATAC-STARR-seq lymphoblastoid silent region 15559; plus strand). Cytogenetic location: 4q22.1.
Variant type: single nucleotide variant.
Coding change: c.149G>A on transcript NM_000297.4 (MANE Select); coding-DNA position 149, G replaced by A.
Protein change: p.Arg50Gln; replaces arginine 50 with glutamine.
Molecular consequence: missense variant. On other transcripts: non-coding transcript variant (1).
Genome position (GRCh38, 1-based): chr4:88,007,882, G>A. VCF-style: chr4-88007882-G-A. GRCh37 (hg19) VCF-style: chr4-88929034-G-A.
Other names: short protein forms R50Q.
Identifiers: ClinVar variation 2061336 (VCV002061336.4), dbSNP rs1383183111, ClinGen allele CA357625442.